The following is an entry in ClinVar:

ClinVar aggregate classification (germline): Uncertain significance (1 of 4 stars; one submission).

Conditions:
Brugada syndrome. Also called: Sudden unexplained nocturnal death syndrome; Sudden unexpected nocturnal death syndrome; Sudden Unexplained Death Syndrome; Sudden Unexplained Nocturnal Death Syndrome (SUNDS). Identifiers: Orphanet 130, MedGen C1142166, MONDO:0015263.

Allele frequency attached by ClinVar (database versions not stated): gnomAD exomes 0.00001.
gnomAD v4.1: 11 of 1,606,966 alleles (0.00068%); highest among the groups gnomAD compares: Non-Finnish European, 0.00093%; no homozygotes.

Submission:

Labcorp Genetics (formerly Invitae), Labcorp
Classification: Uncertain significance for Brugada syndrome. Last evaluated: 2024-01-09. Review status: criteria provided, single submitter. Criteria: Invitae Variant Classification Sherloc (09022015). Collection method: clinical testing. Allele origin: germline.
Comment: This sequence change replaces aspartic acid, which is acidic and polar, with glutamic acid, which is acidic and polar, at codon 234 of the CACNA2D1 protein (p.Asp234Glu). This variant is not present in population databases (gnomAD no frequency). This variant has not been reported in the literature in individuals affected with CACNA2D1-related conditions. An algorithm developed to predict the effect of missense changes on protein structure and function (PolyPhen-2) suggests that this variant is likely to be disruptive. In summary, the available evidence is currently insufficient to determine the role of this variant in disease. Therefore, it has been classified as a Variant of Uncertain Significance.

NM_000722.4(CACNA2D1):c.702C>A (p.Asp234Glu)

Gene: CACNA2D1 (calcium voltage-gated channel auxiliary subunit alpha2delta 1; minus strand). Cytogenetic location: 7q21.11.
Variant type: single nucleotide variant.
Coding change: c.702C>A on transcript NM_000722.4 (MANE Select); coding-DNA position 702, C replaced by A.
Protein change: p.Asp234Glu; replaces aspartic acid 234 with glutamic acid.
Molecular consequence: missense variant.
Genome position (GRCh38, 1-based): chr7:82,066,481, G>T on the plus strand (C>A on the coding strand, the complement: CACNA2D1 is on the minus strand). VCF-style: chr7-82066481-G-T. GRCh37 (hg19) VCF-style: chr7-81695797-G-T.
Other names: c.702C>A, p.Asp234Glu (NM_001302890.2, NM_001366867.1); short protein forms D234E.
Identifiers: ClinVar variation 2883637 (VCV002883637.3), dbSNP rs1183114112, ClinGen allele CA368016528.